The following is an entry in ClinVar:

ClinVar aggregate classification (germline): Uncertain significance (1 of 4 stars; one submission).

Conditions:
Kleefstra syndrome 1 (KLEFS1). Identifiers: Orphanet 261494, MedGen C0795833, MONDO:0027407, OMIM 610253.

Submission:

Labcorp Genetics (formerly Invitae), Labcorp
Classification: Uncertain significance for Kleefstra syndrome 1. Last evaluated: 2022-05-10. Review status: criteria provided, single submitter. Criteria: Invitae Variant Classification Sherloc (09022015). Collection method: clinical testing. Allele origin: germline.
Comment: In summary, the available evidence is currently insufficient to determine the role of this variant in disease. Therefore, it has been classified as a Variant of Uncertain Significance. Algorithms developed to predict the effect of missense changes on protein structure and function output the following: SIFT: "Tolerated"; PolyPhen-2: "Benign"; Align-GVGD: "Class C0". The alanine amino acid residue is found in multiple mammalian species, which suggests that this missense change does not adversely affect protein function. This variant has not been reported in the literature in individuals affected with EHMT1-related conditions. This variant is not present in population databases (gnomAD no frequency). This sequence change replaces proline, which is neutral and non-polar, with alanine, which is neutral and non-polar, at codon 175 of the EHMT1 protein (p.Pro175Ala).

NM_024757.5(EHMT1):c.523C>G (p.Pro175Ala)

Gene: EHMT1 (euchromatic histone lysine methyltransferase 1; plus strand). Cytogenetic location: 9q34.3.
Variant type: single nucleotide variant.
Coding change: c.523C>G on transcript NM_024757.5 (MANE Select); coding-DNA position 523, C replaced by G.
Protein change: p.Pro175Ala; replaces proline 175 with alanine.
Molecular consequence: missense variant.
Genome position (GRCh38, 1-based): chr9:137,717,063, C>G. VCF-style: chr9-137717063-C-G. GRCh37 (hg19) VCF-style: chr9-140611515-C-G.
Other names: c.523C>G, p.Pro175Ala (NM_001145527.2, NM_001354263.2, NM_001354611.2); c.430C>G, p.Pro144Ala (NM_001354259.2, NM_001354612.2); short protein forms P144A, P175A.
Identifiers: ClinVar variation 1992671 (VCV001992671.4), dbSNP rs2541037746, ClinGen allele CA375765570.